The following is an entry in ClinVar:

NM_024577.4(SH3TC2):c.1897del (p.Ala633fs)

Gene: SH3TC2 (SH3 domain and tetratricopeptide repeats 2; minus strand). Cytogenetic location: 5q32.
Variant type: Deletion.
Coding change: c.1897del on transcript NM_024577.4 (MANE Select); coding-DNA position 1897, one base deleted (G; older notation c.1897delG).
Protein change: p.Ala633fs; shifts the reading frame from alanine 633.
Molecular consequence: frameshift variant.
Genome position (GRCh38, 1-based): chr5:149,027,835, C deleted on the plus strand (G on the coding strand, the reverse complement: SH3TC2 is on the minus strand); the first of 2 consecutive C bases (chr5:149,027,835-149,027,836); deleting either gives the same sequence. VCF-style (leftmost placement, unchanged base first): chr5-149027834-GC-G. GRCh37 (hg19) VCF-style: chr5-148407397-GC-G.
Other names: NM_024577.4(SH3TC2):c.1897del; p.Ala633fs; c.1897delG (NM_024577.3); short protein forms A633fs.
Identifiers: ClinVar variation 425358 (VCV000425358.48), dbSNP rs1064797314, ClinGen allele CA16621827.

ClinVar aggregate classification (germline): Pathogenic/Likely pathogenic. Review status: criteria provided, multiple submitters, no conflicts (2 of 4 stars). 5 submissions from 5 submitters: Pathogenic (3); Likely pathogenic (1). 1 of the submissions does not count toward it. Last evaluated 2023-05-02.

Conditions:
Charcot-Marie-Tooth disease type 4. Also called: Charcot-Marie-Tooth disease, type IV; Charcot-Marie-Tooth, Type 4. Identifiers: Orphanet 64749, MedGen C4082197, MONDO:0018995.
Charcot-Marie-Tooth disease type 4C (CMT4C). Also called: CHARCOT-MARIE-TOOTH DISEASE, DEMYELINATING, AUTOSOMAL RECESSIVE, TYPE 4C; Charcot-Marie-Tooth Neuropathy Type 4C (CMT4C); CMT 4C; CHARCOT-MARIE-TOOTH DISEASE, DEMYELINATING, TYPE 4C; SH3TC2-Related Hereditary Motor and Sensory Neuropathy. Identifiers: Orphanet 99949, MedGen C1866636, MONDO:0011113, OMIM 601596.

Submissions (5):

Broad Center for Mendelian Genomics, Broad Institute of MIT and Harvard
Classification: Pathogenic for Charcot-Marie-Tooth disease type 4C. Last evaluated: 2023-05-02. Review status: criteria provided, single submitter. Criteria: ACMG Guidelines, 2015. Collection method: curation. Allele origin: germline. Inheritance: Autosomal recessive inheritance.
Comment: The homozygous p.Ala633ProfsTer12 variant in SH3TC2 was identified by our study in two different families with Charcot-Marie-Tooth disease type 4C, one consisting of two affected siblings and the other consisting of three affected siblings, and segregated with disease in both of these families. The p.Ala633ProfsTer12 variant in SH3TC2 has been previously reported in one individual with Charcot-Marie-Tooth disease type 4C (PMID: 36790232). This affected individual (PMID: 36790232) and the three affected individuals from one of the families identified by our study were homozygotes, which increases the likelihood that the p.Ala633ProfsTer12 variant is pathogenic. This variant has also been reported in ClinVar (Variation ID: 425358) and has been interpreted as pathogenic by the CMT Laboratory,Bogazici University and the Institute of Human Genetics, Klinikum rechts der Isar and as likely pathogenic by CeGaT Center for Human Genetics Tuebingen. This variant was absent from large population studies. This variant is predicted to cause a frameshift, which alters the protein‚Äôs amino acid sequence beginning at position 633 and leads to a premature termination codon 12 amino acids downstream. This alteration is then predicted to lead to a truncated or absent protein. Loss of function of the SH3TC2 gene is an established disease mechanism in autosomal recessive Charcot-Marie-Tooth disease type 4C. In summary, this variant meets criteria to be classified as pathogenic for autosomal recessive Charcot-Marie-Tooth disease type 4C. ACMG/AMP Criteria applied: PVS1, PM2_Supporting, PM3, PP1 (Richards 2015).

Institute of Human Genetics Munich, TUM University Hospital
Classification: Pathogenic for Charcot-Marie-Tooth disease type 4C. Last evaluated: 2022-07-12. Review status: criteria provided, single submitter. Criteria: Classification criteria August 2017. Collection method: clinical testing. Allele origin: germline. Inheritance: Autosomal recessive inheritance. Affected: yes. Observed: 1 variant allele.

CMT Laboratory, Bogazici University
Classification: Pathogenic for Charcot-Marie-Tooth disease type 4C. Last evaluated: 2020-12-01. Review status: criteria provided, single submitter. Criteria: ACMG Guidelines, 2015. Collection method: clinical testing. Allele origin: germline. Affected: yes. Observed: 2 variant alleles.

CeGaT Center for Human Genetics Tuebingen
Classification: Likely pathogenic. Last evaluated: 2016-09-01. Review status: criteria provided, single submitter. Criteria: CeGaT Center For Human Genetics Tuebingen Variant Classification Criteria Version 2. Collection method: clinical testing. Allele origin: germline. Affected: yes. Observed: 1 variant allele.

Genesis Genome Database
Classification: Uncertain significance for Charcot-Marie-Tooth disease type 4. Last evaluated: 2019-08-14. Review status: no assertion criteria provided. Collection method: research. Allele origin: germline. Affected: yes. Not counted in ClinVar's aggregate classification.

Literature cited by the submitters: PubMed 31673878 (cited by CMT Laboratory, Bogazici University).